The following is an entry in ClinVar:

ClinVar aggregate classification (germline): Benign (1 of 4 stars; one submission).

Conditions:
Congenital muscular hypertrophy-cerebral syndrome (CDLS2). Also called: SMC1A-Related Cornelia de Lange Syndrome; Cornelia de Lange syndrome 2. Identifiers: Orphanet 199, MedGen C1802395, MONDO:0010370, OMIM 300590.

Allele frequency attached by ClinVar (database versions not stated): gnomAD 0.00305 and 0.00318; TOPMed 0.00360; 1000 Genomes Project 0.00477; 1000 Genomes Project 30x 0.00499.

Submission:

Illumina Laboratory Services, Illumina
Classification: Benign for Congenital muscular hypertrophy-cerebral syndrome. Last evaluated: 2018-01-12. Review status: criteria provided, single submitter. Criteria: ICSL Variant Classification Criteria 13 December 2019. Collection method: clinical testing. Allele origin: germline.
Comment: This variant was observed in the ICSL laboratory as part of a predisposition screen in an ostensibly healthy population. It had not been previously curated by ICSL or reported in the Human Gene Mutation Database (HGMD: prior to June 1st, 2018), and was therefore a candidate for classification through an automated scoring system. Utilizing variant allele frequency, disease prevalence and penetrance estimates, and inheritance mode, an automated score was calculated to assess if this variant is too frequent to cause the disease. Based on the score and internal cut-off values, a variant classified as benign is not then subjected to further curation. The score for this variant resulted in a classification of benign for this disease.

NM_006306.4(SMC1A):c.*4887T>C

Gene: SMC1A (structural maintenance of chromosomes 1A; minus strand). Cytogenetic location: Xp11.22.
Variant type: single nucleotide variant.
Coding change: c.*4887T>C on transcript NM_006306.4 (MANE Select); 4887 bases downstream of the stop codon, T replaced by C.
Molecular consequence: 3 prime UTR variant.
Genome position (GRCh38, 1-based): chrX:53,375,216, A>G on the plus strand (T>C on the coding strand, the complement: SMC1A is on the minus strand). VCF-style: chrX-53375216-A-G. GRCh37 (hg19) VCF-style: chrX-53402137-A-G.
Other names: c.*4887T>C (NM_001281463.1).
Identifiers: ClinVar variation 915027 (VCV000915027.4), dbSNP rs142173620, ClinGen allele CA329905807.